The following is an entry in ClinVar:

ClinVar aggregate classification (germline): Conflicting classifications of pathogenicity. Review status: criteria provided, conflicting classifications (1 of 4 stars). 3 submissions from 3 submitters: Uncertain significance (1); Likely benign (2). Last evaluated 2025-08-18.

Conditions:
Mitochondrial DNA depletion syndrome, encephalomyopathic form with methylmalonic aciduria (MTDPS5). Also called: Mitochondrial encephalomyopathy aminoacidopathy; MITOCHONDRIAL DNA DEPLETION SYNDROME, ENCEPHALOMYOPATHIC FORM, WITH OR WITHOUT METHYLMALONIC ACIDURIA, AUTOSOMAL RECESSIVE, SUCLA2-RELATED; Mitochondrial DNA depletion syndrome 5 (encephalomyopathic with or without methylmalonic aciduria); SUCLA2-Related Mitochondrial DNA Depletion Syndrome, Encephalomyopathic Form with Methylmalonic Aciduria. Identifiers: Orphanet 1933, MedGen C5980207, MONDO:0012791, OMIM 612073.
Inborn genetic diseases. Identifiers: MedGen C0950123, MeSH D030342.

Allele frequency attached by ClinVar (database versions not stated): gnomAD exomes below 0.00001 and 0.00002; TOPMed below 0.00001; ExAC 0.00001; gnomAD 0.00001.
gnomAD v4.1: 35 of 1,613,932 alleles (0.0022%); highest among the groups gnomAD compares: Non-Finnish European, 0.0028%; no homozygotes.

Submissions (3):

Labcorp Genetics (formerly Invitae), Labcorp
Classification: Uncertain significance for Mitochondrial DNA depletion syndrome, encephalomyopathic form with methylmalonic aciduria. Last evaluated: 2025-08-18. Review status: criteria provided, single submitter. Criteria: Invitae Variant Classification Sherloc (09022015). Collection method: clinical testing. Allele origin: germline.
Comment: This sequence change replaces lysine, which is basic and polar, with glutamine, which is neutral and polar, at codon 306 of the SUCLA2 protein (p.Lys306Gln). This variant is present in population databases (rs775767182, gnomAD 0.0009%). This variant has not been reported in the literature in individuals affected with SUCLA2-related conditions. ClinVar contains an entry for this variant (Variation ID: 203947). Invitae Evidence Modeling of protein sequence and biophysical properties (such as structural, functional, and spatial information, amino acid conservation, physicochemical variation, residue mobility, and thermodynamic stability) indicates that this missense variant is not expected to disrupt SUCLA2 protein function with a negative predictive value of 80%. In summary, the available evidence is currently insufficient to determine the role of this variant in disease. Therefore, it has been classified as a Variant of Uncertain Significance.

Ambry Genetics
Classification: Likely benign for Inborn genetic diseases. Last evaluated: 2025-06-04. Review status: criteria provided, single submitter. Criteria: Ambry Variant Classification Scheme 2023. Collection method: clinical testing. Allele origin: germline.

GeneDx
Classification: Likely benign. Last evaluated: 2013-04-04. Review status: criteria provided, single submitter. Criteria: GeneDx Variant Classification (06012015). Collection method: clinical testing. Allele origin: germline. Affected: yes.
Comment: This variant is considered likely benign or benign based on one or more of the following criteria: it is a conservative change, it occurs at a poorly conserved position in the protein, it is predicted to be benign by multiple in silico algorithms, and/or has population frequency not consistent with disease.

NM_003850.3(SUCLA2):c.916A>C (p.Lys306Gln)

Gene: SUCLA2 (succinate-CoA ligase ADP-forming subunit beta; minus strand). Cytogenetic location: 13q14.2.
Variant type: single nucleotide variant.
Coding change: c.916A>C on transcript NM_003850.3 (MANE Select); coding-DNA position 916, A replaced by C.
Protein change: p.Lys306Gln; replaces lysine 306 with glutamine.
Molecular consequence: missense variant.
Genome position (GRCh38, 1-based): chr13:47,954,444, T>G on the plus strand (A>C on the coding strand, the complement: SUCLA2 is on the minus strand). VCF-style: chr13-47954444-T-G. GRCh37 (hg19) VCF-style: chr13-48528579-T-G.
Other names: p.K306Q:AAG>CAG; short protein forms K306Q.
Identifiers: ClinVar variation 203947 (VCV000203947.6), dbSNP rs775767182, ClinGen allele CA313002.